The following is an entry in ClinVar:

NM_018993.4(RIN2):c.214G>A (p.Ala72Thr)

Gene: RIN2 (Ras and Rab interactor 2; plus strand). Cytogenetic location: 20p11.23.
Variant type: single nucleotide variant.
Coding change: c.214G>A on transcript NM_018993.4 (MANE Select); coding-DNA position 214, G replaced by A.
Protein change: p.Ala72Thr; replaces alanine 72 with threonine.
Molecular consequence: missense variant. On other transcripts: 5 prime UTR variant (1).
Genome position (GRCh38, 1-based): chr20:19,956,670, G>A. VCF-style: chr20-19956670-G-A. GRCh37 (hg19) VCF-style: chr20-19937314-G-A.
Other names: c.361G>A, p.Ala121Thr (NM_001242581.2); c.-332G>A (NM_001378238.1); c.214G>A (NM_018993.3); short protein forms A72T, A121T.
Identifiers: ClinVar variation 2177793 (VCV002177793.3), dbSNP rs759701919, ClinGen allele CA9779763.
Genomic context (GRCh38, chr20:19,956,670, plus strand): 5'-CCTAGCATGGTAAGACACAAGGATGGTGGCTATTCCGAGGAAGAGGACGTGAAGACCTGT[G>A]CCCGGGACTCAGGCTATGACAGCCTCTCCAACAGGCTCAGCATCTTGGACCGGCTCCTCC-3'
Protein context (NP_061866.1, residues 62-82): YSEEEDVKTC[Ala72Thr]RDSGYDSLSN

ClinVar aggregate classification (germline): Uncertain significance. Review status: criteria provided, multiple submitters, no conflicts (2 of 4 stars). 2 submissions from 2 submitters: Uncertain significance (2). Last evaluated 2026-01-26.

Conditions:
Inborn genetic diseases. Identifiers: MedGen C0950123, MeSH D030342.

Allele frequency attached by ClinVar (database versions not stated): gnomAD 0.00001; gnomAD exomes 0.00003; TOPMed 0.00006; ExAC 0.00007.
gnomAD v4.1: 18 of 1,613,162 alleles (0.0011%); highest among the groups gnomAD compares: Admixed American, 0.03%; no homozygotes.

Submissions (2):

Labcorp Genetics (formerly Invitae), Labcorp
Classification: Uncertain significance. Last evaluated: 2026-01-26. Review status: criteria provided, single submitter. Criteria: Invitae Variant Classification Sherloc (09022015). Collection method: clinical testing. Allele origin: germline.
Comment: This sequence change replaces alanine, which is neutral and non-polar, with threonine, which is neutral and polar, at codon 72 of the RIN2 protein (p.Ala72Thr). This variant is present in population databases (rs759701919, gnomAD 0.05%). This variant has not been reported in the literature in individuals affected with RIN2-related conditions. ClinVar contains an entry for this variant (Variation ID: 2177793). Experimental studies and prediction algorithms are not available or were not evaluated, and the functional significance of this variant is currently unknown. In summary, the available evidence is currently insufficient to determine the role of this variant in disease. Therefore, it has been classified as a Variant of Uncertain Significance.

Ambry Genetics
Classification: Uncertain significance for Inborn genetic diseases. Last evaluated: 2025-10-21. Review status: criteria provided, single submitter. Criteria: Ambry Variant Classification Scheme 2023. Collection method: clinical testing. Allele origin: germline.